The following is an entry in ClinVar:

ClinVar aggregate classification (germline): Uncertain significance (1 of 4 stars; one submission).

Conditions:
DICER1-related tumor predisposition. Also called: DICER1-related pleuropulmonary blastoma cancer predisposition syndrome; DICER1 syndrome. Identifiers: Orphanet 284343, MedGen C3839822, MONDO:0100216.

Submission:

Labcorp Genetics (formerly Invitae), Labcorp
Classification: Uncertain significance for DICER1-related tumor predisposition. Last evaluated: 2024-07-08. Review status: criteria provided, single submitter. Criteria: Invitae Variant Classification Sherloc (09022015). Collection method: clinical testing. Allele origin: germline.
Comment: This sequence change replaces valine, which is neutral and non-polar, with leucine, which is neutral and non-polar, at codon 1633 of the DICER1 protein (p.Val1633Leu). This variant is not present in population databases (gnomAD no frequency). This variant has not been reported in the literature in individuals affected with DICER1-related conditions. ClinVar contains an entry for this variant (Variation ID: 1437047). Algorithms developed to predict the effect of missense changes on protein structure and function output the following: SIFT: "Not Available"; PolyPhen-2: "Benign"; Align-GVGD: "Not Available". The leucine amino acid residue is found in multiple mammalian species, which suggests that this missense change does not adversely affect protein function. In summary, the available evidence is currently insufficient to determine the role of this variant in disease. Therefore, it has been classified as a Variant of Uncertain Significance.

NM_177438.3(DICER1):c.4897G>T (p.Val1633Leu)

Gene: DICER1 (dicer 1, ribonuclease III; minus strand). Cytogenetic location: 14q32.13.
Variant type: single nucleotide variant.
Coding change: c.4897G>T on transcript NM_177438.3 (MANE Select); coding-DNA position 4897, G replaced by T.
Protein change: p.Val1633Leu; replaces valine 1633 with leucine.
Molecular consequence: missense variant.
Genome position (GRCh38, 1-based): chr14:95,096,023, C>A on the plus strand (G>T on the coding strand, the complement: DICER1 is on the minus strand). VCF-style: chr14-95096023-C-A. GRCh37 (hg19) VCF-style: chr14-95562360-C-A.
Other names: c.4897G>T, p.Val1633Leu (NM_001195573.1, NM_001271282.3, NM_001291628.2 and 1 more transcripts); short protein forms V1633L.
Identifiers: ClinVar variation 1437047 (VCV001437047.9), dbSNP rs1060503643, ClinGen allele CA390866401.